The following is an entry in ClinVar:

ClinVar aggregate classification (germline): Uncertain significance (1 of 4 stars; one submission).

Submission:

Labcorp Genetics (formerly Invitae), Labcorp
Classification: Uncertain significance. Last evaluated: 2024-09-03. Review status: criteria provided, single submitter. Criteria: Invitae Variant Classification Sherloc (09022015). Collection method: clinical testing. Allele origin: germline.
Comment: This variant, c.2080_2082del, results in the deletion of 1 amino acid(s) of the REPS1 protein (p.Thr694del), but otherwise preserves the integrity of the reading frame. This variant is present in population databases (rs757588364, gnomAD 0.08%), and has an allele count higher than expected for a pathogenic variant. This variant has not been reported in the literature in individuals affected with REPS1-related conditions. Experimental studies and prediction algorithms are not available or were not evaluated, and the functional significance of this variant is currently unknown. In summary, the available evidence is currently insufficient to determine the role of this variant in disease. Therefore, it has been classified as a Variant of Uncertain Significance.

NM_001286611.2(REPS1):c.2077ACA[1] (p.Thr694del)

Gene: REPS1 (RALBP1 associated Eps domain containing 1; minus strand). Cytogenetic location: 6q24.1.
Variant type: Microsatellite.
Coding change: c.2077ACA[1] on transcript NM_001286611.2 (MANE Select); one copy of the 3-base unit ACA starting at c.2077; the reference has two copies in a row; one copy, 3 bases deleted.
Protein change: p.Thr694del; deletes threonine 694.
Molecular consequence: inframe deletion.
Genome position (GRCh38, 1-based): chr6:138,908,802-138,908,804, TGT deleted on the plus strand (ACA on the coding strand, the reverse complement: REPS1 is on the minus strand); deleting any 3 consecutive bases within chr6:138,908,802-138,908,807 gives the same sequence; the position shown is the placement nearest the transcript's 3' end. VCF-style (leftmost placement, unchanged base first): chr6-138908801-GTGT-G. GRCh37 (hg19) VCF-style: chr6-139229938-GTGT-G.
Other names: c.1996ACA[1], p.Thr667del (NM_001128617.3); c.1804ACA[1], p.Thr603del (NM_001286612.2); c.2074ACA[1], p.Thr693del (NM_031922.5); short protein forms T603del, T667del, T693del, T694del.
Identifiers: ClinVar variation 3607937 (VCV003607937.2).